The following is an entry in ClinVar:

ClinVar aggregate classification (germline): Uncertain significance (1 of 4 stars; one submission).

Conditions:
Hereditary cancer-predisposing syndrome. Also called: Hereditary Cancer Syndrome; Hereditary neoplastic syndrome; Neoplastic Syndromes, Hereditary; Tumor predisposition. Identifiers: Orphanet 140162, MedGen C0027672, MeSH D009386, MONDO:0015356.

Allele frequency attached by ClinVar (database versions not stated): gnomAD exomes below 0.00001.
gnomAD v4.1: 1 of 1,613,304 alleles (0.000062%); no homozygotes.

Submission:

Ambry Genetics
Classification: Uncertain significance for Hereditary cancer-predisposing syndrome. Last evaluated: 2022-04-08. Review status: criteria provided, single submitter. Criteria: Ambry Variant Classification Scheme 2023. Collection method: clinical testing. Allele origin: germline.
Comment: The p.P209T variant (also known as c.625C>A), located in coding exon 6 of the SDHB gene, results from a C to A substitution at nucleotide position 625. The proline at codon 209 is replaced by threonine, an amino acid with highly similar properties. This amino acid position is conserved. In addition, this alteration is predicted to be deleterious by in silico analysis. Since supporting evidence is limited at this time, the clinical significance of this alteration remains unclear.

NM_003000.3(SDHB):c.625C>A (p.Pro209Thr)

Gene: SDHB (succinate dehydrogenase complex iron sulfur subunit B; minus strand). Cytogenetic location: 1p36.13.
Variant type: single nucleotide variant.
Coding change: c.625C>A on transcript NM_003000.3 (MANE Select); coding-DNA position 625, C replaced by A.
Protein change: p.Pro209Thr; replaces proline 209 with threonine.
Molecular consequence: missense variant.
Genome position (GRCh38, 1-based): chr1:17,023,990, G>T on the plus strand (C>A on the coding strand, the complement: SDHB is on the minus strand). VCF-style: chr1-17023990-G-T. GRCh37 (hg19) VCF-style: chr1-17350485-G-T.
Other names: c.571C>A, p.Pro191Thr (NM_001407361.1); short protein forms P209T, P191T.
Identifiers: ClinVar variation 1752480 (VCV001752480.2), dbSNP rs2101516279, ClinGen allele CA338270957.